The following is an entry in ClinVar:

ClinVar aggregate classification (germline): Benign/Likely benign. Review status: criteria provided, multiple submitters, no conflicts (2 of 4 stars). 3 submissions from 3 submitters: Benign (1); Likely benign (2). Last evaluated 2026-04-26.

Conditions:
Hereditary cancer-predisposing syndrome. Also called: Neoplastic Syndromes, Hereditary; Hereditary neoplastic syndrome; Hereditary Cancer Syndrome; Tumor predisposition. Identifiers: Orphanet 140162, MedGen C0027672, MeSH D009386, MONDO:0015356.
Hereditary diffuse gastric adenocarcinoma (HDGC). Also called: DIFFUSE GASTRIC AND LOBULAR BREAST CANCER SYNDROME. Identifiers: Orphanet 26106, MedGen C1708349, MONDO:0007648, OMIM 137215.

Allele frequency attached by ClinVar (database versions not stated): gnomAD exomes below 0.00001; TOPMed below 0.00001; ExAC 0.00001.
gnomAD v4.1: 2 of 1,614,110 alleles (0.00012%); highest among the groups gnomAD compares: Non-Finnish European, 0.00017%; no homozygotes.

Submissions (3):

Ambry Genetics
Classification: Likely benign for Hereditary cancer-predisposing syndrome. Last evaluated: 2026-04-26. Review status: criteria provided, single submitter. Criteria: Ambry Variant Classification Scheme 2023. Collection method: clinical testing. Allele origin: germline.

Labcorp Genetics (formerly Invitae), Labcorp
Classification: Likely benign for Hereditary diffuse gastric adenocarcinoma. Last evaluated: 2025-05-13. Review status: criteria provided, single submitter. Criteria: Invitae Variant Classification Sherloc (09022015). Collection method: clinical testing. Allele origin: germline.

Myriad Genetics, Inc.
Classification: Benign for Hereditary diffuse gastric adenocarcinoma. Last evaluated: 2024-09-19. Review status: criteria provided, single submitter. Criteria: Myriad Autosomal Dominant, Autosomal Recessive and X-Linked Classification Criteria (2023). Collection method: clinical testing. Allele origin: unknown.
Comment: This variant is considered benign. This variant is a silent/synonymous amino acid change and it is not expected to impact splicing.

NM_004360.5(CDH1):c.1641G>A (p.Glu547=)

Gene: CDH1 (cadherin 1; plus strand). Cytogenetic location: 16q22.1.
Variant type: single nucleotide variant.
Coding change: c.1641G>A on transcript NM_004360.5 (MANE Select); coding-DNA position 1641, G replaced by A.
Protein change: p.Glu547=; no amino-acid change (glutamic acid 547 retained).
Molecular consequence: synonymous variant. On other transcripts: intron variant (1).
Genome position (GRCh38, 1-based): chr16:68,819,355, G>A. VCF-style: chr16-68819355-G-A. GRCh37 (hg19) VCF-style: chr16-68853258-G-A.
Other names: c.1458G>A, p.Glu486= (NM_001317184.2); c.93G>A, p.Glu31= (NM_001317185.2); c.-254-2646G>A (NM_001317186.2).
Identifiers: ClinVar variation 760976 (VCV000760976.10), dbSNP rs778565234, ClinGen allele CA8130117.